The following is an entry in ClinVar:

NM_001194998.2(CEP152):c.1449_1450del (p.Leu483_Tyr484insTer)

Gene: CEP152 (centrosomal protein 152; minus strand). Cytogenetic location: 15q21.1.
Variant type: Microsatellite.
Coding change: c.1449_1450del on transcript NM_001194998.2 (MANE Select); coding-DNA positions 1449 to 1450, 2 bases deleted (CT; older notation c.1449_1450delCT).
Protein change: p.Leu483_Tyr484insTer.
Molecular consequence: frameshift variant.
Genome position (GRCh38, 1-based): chr15:48,781,323-48,781,324, AG deleted on the plus strand (CT on the coding strand, the reverse complement: CEP152 is on the minus strand); deleting any 2 consecutive bases within chr15:48,781,323-48,781,329 gives the same sequence; the c. name uses the placement nearest the transcript's 3' end. VCF-style (leftmost placement, unchanged base first): chr15-48781322-TAG-T. GRCh37 (hg19) VCF-style: chr15-49073519-TAG-T.
Other names: c.1449_1450del, p.Leu483_Tyr484insTer (NM_014985.4).
Identifiers: ClinVar variation 2857311 (VCV002857311.3), dbSNP rs1040451138, ClinGen allele CA969561767.

ClinVar aggregate classification (germline): Pathogenic (1 of 4 stars; one submission).

Submission:

Labcorp Genetics (formerly Invitae), Labcorp
Classification: Pathogenic. Last evaluated: 2023-04-17. Review status: criteria provided, single submitter. Criteria: Invitae Variant Classification Sherloc (09022015). Collection method: clinical testing. Allele origin: germline.
Comment: This sequence change creates a premature translational stop signal (p.Tyr484*) in the CEP152 gene. It is expected to result in an absent or disrupted protein product. Loss-of-function variants in CEP152 are known to be pathogenic (PMID: 21131973). This variant is not present in population databases (gnomAD no frequency). This variant has not been reported in the literature in individuals affected with CEP152-related conditions. For these reasons, this variant has been classified as Pathogenic.

Literature cited by the submitters: PubMed 21131973.